The following is an entry in ClinVar:

ClinVar aggregate classification (germline): Likely benign. Review status: criteria provided, multiple submitters, no conflicts (2 of 4 stars). 3 submissions from 3 submitters: Likely benign (3). Last evaluated 2026-09-12.

Conditions:
Cardiomyopathy (CMYO). Also called: Cardiomyopathies. Identifiers: Orphanet 167848, MedGen C0878544, MONDO:0004994, HP:0001638. Inheritance: Various modes of inheritance.
Cardiovascular phenotype. Identifiers: MedGen CN230736.
Hypertrophic cardiomyopathy. Also called: HYPERTROPHIC MYOCARDIOPATHY. Identifiers: Orphanet 217569, MedGen C0007194, MeSH D002312, MONDO:0005045, HP:0001639.

Submissions (3):

Ambry Genetics
Classification: Likely benign for Cardiovascular phenotype. Last evaluated: 2026-09-12. Review status: criteria provided, single submitter. Criteria: Ambry Variant Classification Scheme 2023. Collection method: clinical testing. Allele origin: germline.

All of Us Research Program, National Institutes of Health
Classification: Likely benign for Hypertrophic cardiomyopathy. Last evaluated: 2024-05-09. Review status: criteria provided, single submitter. Criteria: ACMG Guidelines, 2015. Collection method: clinical testing. Allele origin: germline. Inheritance: Autosomal dominant inheritance. Observed: 1 variant allele, 1 heterozygote.
Comment: This study involves interpretation of variants in research participants for the purpose of population health screening. Participant phenotype was not available at the time of variant classification. Additional details can be found in publication PMID: 35346344, PMCID: PMC8962531

Color Diagnostics, LLC DBA Color Health
Classification: Likely benign for Cardiomyopathy. Last evaluated: 2021-10-21. Review status: criteria provided, single submitter. Criteria: ACMG Guidelines, 2015. Collection method: clinical testing. Allele origin: germline.

NM_000363.5(TNNI3):c.357C>G (p.Thr119=)

Gene: TNNI3 (troponin I3, cardiac type; minus strand). Cytogenetic location: 19q13.42.
Variant type: single nucleotide variant.
Coding change: c.357C>G on transcript NM_000363.5 (MANE Select); coding-DNA position 357, C replaced by G.
Protein change: p.Thr119=; no amino-acid change (threonine 119 retained).
Molecular consequence: synonymous variant.
Genome position (GRCh38, 1-based): chr19:55,154,756, G>C on the plus strand (C>G on the coding strand, the complement: TNNI3 is on the minus strand). VCF-style: chr19-55154756-G-C. GRCh37 (hg19) VCF-style: chr19-55666124-G-C.
Identifiers: ClinVar variation 2774617 (VCV002774617.4), dbSNP rs761112430, ClinGen allele CA508989493.